The following is an entry in ClinVar:

ClinVar aggregate classification (germline): Uncertain significance (1 of 4 stars; one submission).

Submission:

Labcorp Genetics (formerly Invitae), Labcorp
Classification: Uncertain significance. Last evaluated: 2024-10-06. Review status: criteria provided, single submitter. Criteria: Invitae Variant Classification Sherloc (09022015). Collection method: clinical testing. Allele origin: germline.
Comment: This sequence change replaces glutamic acid, which is acidic and polar, with lysine, which is basic and polar, at codon 115 of the FSCN2 protein (p.Glu115Lys). This variant is present in population databases (rs781921943, gnomAD 0.02%). This variant has not been reported in the literature in individuals affected with FSCN2-related conditions. An algorithm developed to predict the effect of missense changes on protein structure and function (PolyPhen-2) suggests that this variant is likely to be disruptive. In summary, the available evidence is currently insufficient to determine the role of this variant in disease. Therefore, it has been classified as a Variant of Uncertain Significance.

NM_012418.4(FSCN2):c.343G>A (p.Glu115Lys)

Gene: FSCN2 (fascin actin-bundling protein 2, retinal; plus strand). Cytogenetic location: 17q25.3.
Variant type: single nucleotide variant.
Coding change: c.343G>A on transcript NM_012418.4 (MANE Select); coding-DNA position 343, G replaced by A.
Protein change: p.Glu115Lys; replaces glutamic acid 115 with lysine.
Molecular consequence: missense variant.
Genome position (GRCh38, 1-based): chr17:81,528,874, G>A. VCF-style: chr17-81528874-G-A. GRCh37 (hg19) VCF-style: chr17-79495900-G-A.
Other names: c.343G>A, p.Glu115Lys (NM_001077182.3); short protein forms E115K.
Identifiers: ClinVar variation 3608408 (VCV003608408.2).